The following is an entry in ClinVar:

NM_016492.5(RANGRF):c.351+23T>A

Genes: SLC25A35 (solute carrier family 25 member 35; minus strand), RANGRF (RAN guanine nucleotide release factor; plus strand). Cytogenetic location: 17p13.1.
Variant type: single nucleotide variant.
Coding change: c.351+23T>A on transcript NM_016492.5 (MANE Select); 23 bases into the intron after coding-DNA position 351, T replaced by A.
Molecular consequence: intron variant. On other transcripts: missense variant (1), 3 prime UTR variant (2), non-coding transcript variant (1).
Genome position (GRCh38, 1-based): chr17:8,289,437, T>A. VCF-style: chr17-8289437-T-A. GRCh37 (hg19) VCF-style: chr17-8192755-T-A.
Other names: c.374T>A, p.Met125Lys (NM_001177802.2); c.*46A>T (NM_001320872.2); c.*179A>T (NM_201520.3); c.*42+137A>T (NM_001320871.2); c.351+23T>A (NM_001177801.2, NM_001330127.2); short protein forms M125K.
Identifiers: ClinVar variation 4991022 (VCV004991022.1).

ClinVar aggregate classification (germline): Uncertain significance (1 of 4 stars; one submission).

Conditions:
RANGRF-related disorder. Also called: RANGRF-related condition.

gnomAD v4.1: 1 of 1,614,016 alleles (0.000062%); highest among the groups gnomAD compares: South Asian, 0.0011%; no homozygotes.

Submission:

PreventionGenetics, part of Exact Sciences
Classification: Uncertain significance for RANGRF-related condition. Last evaluated: 2026-08-26. Review status: criteria provided, single submitter. Criteria: ACMG Guidelines, 2015. Collection method: clinical testing. Allele origin: germline.
Comment: The RANGRF c.374T>A variant is predicted to result in the amino acid substitution p.Met125Lys. To our knowledge, this variant has not been reported in the literature or in a large population database (gnomAD), indicating this variant is rare. At this time, the clinical significance of this variant is uncertain due to the absence of conclusive functional and genetic evidence.